The following is an entry in ClinVar:

ClinVar aggregate classification (germline): Uncertain significance (1 of 4 stars; one submission).

gnomAD v4.1: 2 of 1,613,112 alleles (0.00012%); highest among the groups gnomAD compares: South Asian, 0.0011%; no homozygotes.

Submission:

Labcorp Genetics (formerly Invitae), Labcorp
Classification: Uncertain significance. Last evaluated: 2025-01-20. Review status: criteria provided, single submitter. Criteria: Invitae Variant Classification Sherloc (09022015). Collection method: clinical testing. Allele origin: germline.
Comment: This sequence change replaces glycine, which is neutral and non-polar, with arginine, which is basic and polar, at codon 151 of the KIZ protein (p.Gly151Arg). This variant is present in population databases (no rsID available, gnomAD 0.003%). This variant has not been reported in the literature in individuals affected with KIZ-related conditions. Experimental studies and prediction algorithms are not available or were not evaluated, and the functional significance of this variant is currently unknown. In summary, the available evidence is currently insufficient to determine the role of this variant in disease. Therefore, it has been classified as a Variant of Uncertain Significance.

NM_018474.6(KIZ):c.451G>C (p.Gly151Arg)

Gene: KIZ (kizuna centrosomal protein; plus strand). Cytogenetic location: 20p11.23.
Variant type: single nucleotide variant.
Coding change: c.451G>C on transcript NM_018474.6 (MANE Select); coding-DNA position 451, G replaced by C.
Protein change: p.Gly151Arg; replaces glycine 151 with arginine.
Molecular consequence: missense variant.
Genome position (GRCh38, 1-based): chr20:21,161,916, G>C. VCF-style: chr20-21161916-G-C. GRCh37 (hg19) VCF-style: chr20-21142557-G-C.
Other names: c.142G>C, p.Gly48Arg (NM_001163022.3, NM_001352435.2); c.52G>C, p.Gly18Arg (NM_001163023.3); c.304G>C, p.Gly102Arg (NM_001276389.2); c.451G>C, p.Gly151Arg (NM_001352434.2); c.109G>C, p.Gly37Arg (NM_001352436.2); short protein forms G102R, G151R, G18R, G37R, G48R.
Identifiers: ClinVar variation 3620513 (VCV003620513.2).